The following is an entry in ClinVar:

NM_007325.5(GRIA3):c.1653G>A (p.Leu551=)

Gene: GRIA3 (glutamate ionotropic receptor AMPA type subunit 3; plus strand). Cytogenetic location: Xq25.
Variant type: single nucleotide variant.
Coding change: c.1653G>A on transcript NM_007325.5 (MANE Select); coding-DNA position 1653, G replaced by A.
Protein change: p.Leu551=; no amino-acid change (leucine 551 retained).
Molecular consequence: synonymous variant.
Genome position (GRCh38, 1-based): chrX:123,417,554, G>A. VCF-style: chrX-123417554-G-A. GRCh37 (hg19) VCF-style: chrX-122551405-G-A.
Other names: NC_000023.10:g.122551405G>A; c.1653G>A, p.Leu551= (NM_000828.5).
Identifiers: ClinVar variation 4280858 (VCV004280858.8).

ClinVar aggregate classification (germline): Uncertain significance (1 of 4 stars; one submission).

Submissions (2):

CeGaT Center for Human Genetics Tuebingen
Classification: Uncertain significance. Last evaluated: 2025-09-01. Review status: criteria provided, single submitter. Criteria: CeGaT Center For Human Genetics Tuebingen Variant Classification Criteria Version 2. Collection method: clinical testing. Allele origin: germline. Affected: yes. Observed: 1 variant allele.
Comment: GRIA3: PM2:Supporting, BP4

Dr. Peter K. Rogan Lab, Western University
No classification provided (evidence only). Condition: Thyroid cancer, nonmedullary, 1. Review status: no classification provided. Collection method: in vitro. Allele origin: not applicable. Functional consequence: retained intron. Not counted in ClinVar's aggregate classification.